The following is an entry in ClinVar:

NM_000430.4(PAFAH1B1):c.569G>C (p.Gly190Ala)

Gene: PAFAH1B1 (platelet activating factor acetylhydrolase 1b regulatory subunit 1; plus strand). Cytogenetic location: 17p13.3.
Variant type: single nucleotide variant.
Coding change: c.569G>C on transcript NM_000430.4 (MANE Select); coding-DNA position 569, G replaced by C.
Protein change: p.Gly190Ala; replaces glycine 190 with alanine.
Molecular consequence: missense variant.
Genome position (GRCh38, 1-based): chr17:2,672,655, G>C. VCF-style: chr17-2672655-G-C. GRCh37 (hg19) VCF-style: chr17-2575949-G-C.
Other names: short protein forms G190A.
Identifiers: ClinVar variation 2693148 (VCV002693148.3), dbSNP rs2544102409, ClinGen allele CA397641039.

ClinVar aggregate classification (germline): Uncertain significance (1 of 4 stars; one submission).

Submission:

Labcorp Genetics (formerly Invitae), Labcorp
Classification: Uncertain significance. Last evaluated: 2023-11-04. Review status: criteria provided, single submitter. Criteria: Invitae Variant Classification Sherloc (09022015). Collection method: clinical testing. Allele origin: germline.
Comment: This sequence change replaces glycine, which is neutral and non-polar, with alanine, which is neutral and non-polar, at codon 190 of the PAFAH1B1 protein (p.Gly190Ala). This variant is not present in population databases (gnomAD no frequency). This variant has not been reported in the literature in individuals affected with PAFAH1B1-related conditions. An algorithm developed to predict the effect of missense changes on protein structure and function (PolyPhen-2) suggests that this variant is likely to be disruptive. Algorithms developed to predict the effect of sequence changes on RNA splicing suggest that this variant may disrupt the consensus splice site. In summary, the available evidence is currently insufficient to determine the role of this variant in disease. Therefore, it has been classified as a Variant of Uncertain Significance.